The following is an entry in ClinVar:

ClinVar aggregate classification (germline): Likely benign (1 of 4 stars; one submission).

Conditions:
Cornelia de Lange syndrome 3 (CDLS3). Also called: CORNELIA DE LANGE SYNDROME 3 WITH OR WITHOUT MIDLINE BRAIN DEFECTS; SMC3-Related Cornelia de Lange Syndrome. Identifiers: Orphanet 199, MedGen C1853099, MONDO:0012555, OMIM 610759.

Allele frequency attached by ClinVar (database versions not stated): 1000 Genomes Project 30x 0.00094; 1000 Genomes Project 0.00100; TOPMed 0.00122; ESP Exome Variant Server 0.00110; gnomAD 0.00122.
gnomAD v4.1: 2,073 of 1,577,144 alleles (0.13%); highest among the groups gnomAD compares: Admixed American, 0.19%; 3 homozygotes.

Submission:

Illumina Laboratory Services, Illumina
Classification: Likely benign for Cornelia de Lange syndrome 3. Last evaluated: 2018-01-13. Review status: criteria provided, single submitter. Criteria: ICSL Variant Classification Criteria 13 December 2019. Collection method: clinical testing. Allele origin: germline.
Comment: This variant was observed in the ICSL laboratory as part of a predisposition screen in an ostensibly healthy population. It had not been previously curated by ICSL or reported in the Human Gene Mutation Database (HGMD: prior to June 1st, 2018), and was therefore a candidate for classification through an automated scoring system. Utilizing variant allele frequency, disease prevalence and penetrance estimates, and inheritance mode, an automated score was calculated to assess if this variant is too frequent to cause the disease. Based on the score and internal cut-off values, a variant classified as likely benign is not then subjected to further curation. The score for this variant resulted in a classification of likely benign for this disease.

NM_005445.4(SMC3):c.-74C>A

Gene: SMC3 (structural maintenance of chromosomes 3; plus strand). Cytogenetic location: 10q25.2.
Variant type: single nucleotide variant.
Coding change: c.-74C>A on transcript NM_005445.4 (MANE Select); 74 bases upstream of the start codon, C replaced by A.
Molecular consequence: 5 prime UTR variant.
Genome position (GRCh38, 1-based): chr10:110,567,743, C>A. VCF-style: chr10-110567743-C-A. GRCh37 (hg19) VCF-style: chr10-112327501-C-A.
Identifiers: ClinVar variation 298761 (VCV000298761.5), dbSNP rs376252081, ClinGen allele CA10634532.